The following is an entry in ClinVar:

NM_001447.3(FAT2):c.7237C>T (p.Arg2413Cys)

Genes: FAT2 (FAT atypical cadherin 2; minus strand), SLC36A1 (solute carrier family 36 member 1; plus strand). Cytogenetic location: 5q33.1.
Variant type: single nucleotide variant.
Coding change: c.7237C>T on transcript NM_001447.3 (MANE Select); coding-DNA position 7237, C replaced by T.
Protein change: p.Arg2413Cys; replaces arginine 2413 with cysteine.
Molecular consequence: missense variant.
Genome position (GRCh38, 1-based): chr5:151,543,890, G>A on the plus strand (C>T on the coding strand, the complement: FAT2 is on the minus strand). VCF-style: chr5-151543890-G-A. GRCh37 (hg19) VCF-style: chr5-150923451-G-A.
Other names: c.7237C>T (NM_001447.2); short protein forms R2413C.
Identifiers: ClinVar variation 1914996 (VCV001914996.6), dbSNP rs764323221, ClinGen allele CA3520994.

ClinVar aggregate classification (germline): Uncertain significance. Review status: criteria provided, multiple submitters, no conflicts (2 of 4 stars). 2 submissions from 2 submitters: Uncertain significance (2). Last evaluated 2023-11-17.

Allele frequency attached by ClinVar (database versions not stated): TOPMed 0.00002; ExAC 0.00003; gnomAD 0.00004; gnomAD exomes 0.00006.
gnomAD v4.1: 95 of 1,614,076 alleles (0.0059%); highest among the groups gnomAD compares: East Asian, 0.02%; no homozygotes.

Submissions (2):

Ambry Genetics
Classification: Uncertain significance. Last evaluated: 2023-11-17. Review status: criteria provided, single submitter. Criteria: Ambry Variant Classification Scheme 2023. Collection method: clinical testing. Allele origin: germline.

Labcorp Genetics (formerly Invitae), Labcorp
Classification: Uncertain significance. Last evaluated: 2023-10-17. Review status: criteria provided, single submitter. Criteria: Invitae Variant Classification Sherloc (09022015). Collection method: clinical testing. Allele origin: germline.
Comment: This sequence change replaces arginine, which is basic and polar, with cysteine, which is neutral and slightly polar, at codon 2413 of the FAT2 protein (p.Arg2413Cys). This variant is present in population databases (rs764323221, gnomAD 0.01%). This variant has not been reported in the literature in individuals affected with FAT2-related conditions. ClinVar contains an entry for this variant (Variation ID: 1914996). Advanced modeling of protein sequence and biophysical properties (such as structural, functional, and spatial information, amino acid conservation, physicochemical variation, residue mobility, and thermodynamic stability) performed at Invitae indicates that this missense variant is expected to disrupt FAT2 protein function. In summary, the available evidence is currently insufficient to determine the role of this variant in disease. Therefore, it has been classified as a Variant of Uncertain Significance.